The following is an entry in ClinVar:

NM_001009944.3(PKD1):c.11188G>A (p.Val3730Met)

Genes: PKD1 (polycystin 1, transient receptor potential channel interacting; minus strand), PKD1-AS1 (PKD1 antisense RNA 1; plus strand). Cytogenetic location: 16p13.3.
Variant type: single nucleotide variant.
Coding change: c.11188G>A on transcript NM_001009944.3 (MANE Select); coding-DNA position 11188, G replaced by A.
Protein change: p.Val3730Met; replaces valine 3730 with methionine.
Molecular consequence: missense variant.
Genome position (GRCh38, 1-based): chr16:2,092,561, C>T on the plus strand (G>A on the coding strand, the complement: PKD1 is on the minus strand). VCF-style: chr16-2092561-C-T. GRCh37 (hg19) VCF-style: chr16-2142562-C-T.
Other names: c.11185G>A, p.Val3729Met (NM_000296.4); short protein forms V3730M, V3729M.
Identifiers: ClinVar variation 3578960 (VCV003578960.3).

ClinVar aggregate classification (germline): Uncertain significance. Review status: criteria provided, multiple submitters, no conflicts (2 of 4 stars). 2 submissions from 2 submitters: Uncertain significance (2). Last evaluated 2024-05-16.

Conditions:
Polycystic kidney disease, adult type (PKD1). Also called: Polycystic Kidney Disease 1, Autosomal Dominant; Polycystic kidney disease 1; Polycystic kidney disease 1, severe; POLYCYSTIC KIDNEY DISEASE 1 WITH OR WITHOUT POLYCYSTIC LIVER DISEASE; POLYCYSTIC KIDNEY DISEASE, ADULT, TYPE I; Polycystic Kidney, Autosomal Dominant. Identifiers: MedGen C3149841, MONDO:0008263, OMIM 173900.

Submissions (2):

Genetic Services Laboratory, University of Chicago
Classification: Uncertain significance. Last evaluated: 2024-05-16. Review status: criteria provided, single submitter. Criteria: ACMG Guidelines, 2015. Collection method: clinical testing. Allele origin: germline. Affected: no.
Comment: DNA sequence analysis of the PKD1 gene demonstrated a sequence change, c.11188G>A, in exon 39 that results in an amino acid change, p.Val3730Met. This sequence change does not appear to have been previously described in individuals with PKD1-related disorders. This sequence change has been described in the gnomAD database in one individual which corresponds to a population frequency of 0.0002% (dbSNP rs375663943). The p.Val3730Met change affects a moderately conserved amino acid residue located in a domain of the PKD1 protein that is known to be functional. In-silico pathogenicity prediction tools (SIFT, PolyPhen2, Align GVGD, REVEL) provide contradictory results for the p.Val3730Met substitution. Due to insufficient evidence and the lack of functional studies, the clinical significance of the p.Val3730Met change remains unknown at this time.

Fulgent Genetics
Classification: Uncertain significance for Polycystic kidney disease, adult type. Last evaluated: 2024-03-25. Review status: criteria provided, single submitter. Criteria: ACMG Guidelines, 2015. Collection method: clinical testing. Allele origin: germline.